The following is an entry in ClinVar:

ClinVar aggregate classification (germline): Uncertain significance (1 of 4 stars; one submission).

Conditions:
Joubert syndrome. Also called: CEREBELLOPARENCHYMAL DISORDER IV; JOUBERT-BOLTSHAUSER SYNDROME; Familial aplasia of the vermis. Identifiers: Orphanet 475, MedGen C5979921, MONDO:0018772.
Nephronophthisis. Also called: Juvenile Nephronophthisis. Identifiers: Orphanet 655, MedGen C0687120, MONDO:0019005, HP:0000090.
Meckel-Gruber syndrome. Also called: DYSENCEPHALIA SPLANCHNOCYSTICA; GRUBER SYNDROME; Dysencephalia splachnocystica. Identifiers: Orphanet 564, MedGen C0265215, MONDO:0018921.

Submission:

Labcorp Genetics (formerly Invitae), Labcorp
Classification: Uncertain significance for Joubert syndrome; Meckel-Gruber syndrome; Nephronophthisis. Last evaluated: 2023-12-11. Review status: criteria provided, single submitter. Criteria: Invitae Variant Classification Sherloc (09022015). Collection method: clinical testing. Allele origin: germline.
Comment: This sequence change replaces valine, which is neutral and non-polar, with methionine, which is neutral and non-polar, at codon 2435 of the CEP290 protein (p.Val2435Met). This variant is not present in population databases (gnomAD no frequency). This variant has not been reported in the literature in individuals affected with CEP290-related conditions. ClinVar contains an entry for this variant (Variation ID: 1368258). An algorithm developed to predict the effect of missense changes on protein structure and function (PolyPhen-2) suggests that this variant is likely to be disruptive. In summary, the available evidence is currently insufficient to determine the role of this variant in disease. Therefore, it has been classified as a Variant of Uncertain Significance.

NM_025114.4(CEP290):c.7303G>A (p.Val2435Met)

Genes: CEP290 (centrosomal protein 290; minus strand), RLIG1 (RNA 5'-phosphate and 3'-OH ligase 1; plus strand). Cytogenetic location: 12q21.32.
Variant type: single nucleotide variant.
Coding change: c.7303G>A on transcript NM_025114.4 (MANE Select); coding-DNA position 7303, G replaced by A.
Protein change: p.Val2435Met; replaces valine 2435 with methionine.
Molecular consequence: missense variant. On other transcripts: 3 prime UTR variant (1).
Genome position (GRCh38, 1-based): chr12:88,049,321, C>T on the plus strand (G>A on the coding strand, the complement: CEP290 is on the minus strand). VCF-style: chr12-88049321-C-T. GRCh37 (hg19) VCF-style: chr12-88443098-C-T.
Other names: c.*899C>T (NM_001009894.3); short protein forms V2435M.
Identifiers: ClinVar variation 1368258 (VCV001368258.8), dbSNP rs2136546112, ClinGen allele CA385972634.